The following is an entry in ClinVar:

ClinVar aggregate classification (germline): Pathogenic (1 of 4 stars; one submission).

Conditions:
Inborn genetic diseases. Identifiers: MedGen C0950123, MeSH D030342.

Submission:

Ambry Genetics
Classification: Pathogenic for Inborn genetic diseases. Last evaluated: 2023-08-16. Review status: criteria provided, single submitter. Criteria: Ambry Variant Classification Scheme 2023. Collection method: clinical testing. Allele origin: germline.
Comment: The c.871C>T (p.Q291*) alteration, located in exon 10 (coding exon 8) of the KMT2E gene, consists of a C to T substitution at nucleotide position 871. This changes the amino acid from a glutamine (Q) to a stop codon at amino acid position 291. This alteration is expected to result in loss of function by premature protein truncation or nonsense-mediated mRNA decay. This variant was not reported in population-based cohorts in the Genome Aggregation Database (gnomAD). Based on the available evidence, this alteration is classified as pathogenic.

NM_182931.3(KMT2E):c.871C>T (p.Gln291Ter)

Gene: KMT2E (lysine methyltransferase 2E (inactive); plus strand). Cytogenetic location: 7q22.3.
Variant type: single nucleotide variant.
Coding change: c.871C>T on transcript NM_182931.3 (MANE Select); coding-DNA position 871, C replaced by T.
Protein change: p.Gln291Ter; replaces glutamine 291 with a stop codon.
Molecular consequence: nonsense.
Genome position (GRCh38, 1-based): chr7:105,077,065, C>T. VCF-style: chr7-105077065-C-T. GRCh37 (hg19) VCF-style: chr7-104717512-C-T.
Other names: c.871C>T, p.Gln291Ter (NM_001410908.1, NM_018682.4); short protein forms Q291*.
Identifiers: ClinVar variation 2614530 (VCV002614530.2), dbSNP rs201187955, ClinGen allele CA368777635.